The following is an entry in ClinVar:

NM_014927.5(CNKSR2):c.1905-1G>A

Gene: CNKSR2 (connector enhancer of kinase suppressor of Ras 2; plus strand). Cytogenetic location: Xp22.12.
Variant type: single nucleotide variant.
Coding change: c.1905-1G>A on transcript NM_014927.5 (MANE Select); the canonical splice acceptor site of the intron before coding-DNA position 1905, G replaced by A.
Molecular consequence: splice acceptor variant.
Genome position (GRCh38, 1-based): chrX:21,595,323, G>A. VCF-style: chrX-21595323-G-A. GRCh37 (hg19) VCF-style: chrX-21613441-G-A.
Other names: c.1815-1G>A (NM_001168647.3, NM_001330773.2); c.1758-1G>A (NM_001330770.2, NM_001168649.3); c.1668-1G>A (NM_001330772.2, NM_001330771.2); c.1905-1G>A (NM_001168648.3).
Identifiers: ClinVar variation 3347763 (VCV003347763.1).

ClinVar aggregate classification (germline): Likely pathogenic (0 of 4 stars; one submission).

Conditions:
CNKSR2-related disorder. Also called: CNKSR2-related condition.

Submission:

PreventionGenetics, part of Exact Sciences
Classification: Likely pathogenic for CNKSR2-related condition. Last evaluated: 2024-06-10. Review status: no assertion criteria provided. Collection method: clinical testing. Allele origin: germline.
Comment: The CNKSR2 c.1905-1G>A variant is predicted to disrupt the AG splice acceptor site and interfere with normal splicing. To our knowledge, this variant has not been reported in the literature or in a large population database, indicating this variant is rare. Variants that disrupt the consensus splice acceptor site in CNKSR2 are expected to be pathogenic. Additionally, a different variant affecting this splice acceptor site (c.1905-2A>G) has been documented as pathogenic (Higa et al. 2021. PubMed ID: 34266427). This variant is interpreted as likely pathogenic.